The following is an entry in ClinVar:

NM_006876.3(B4GAT1):c.2T>C (p.Met1Thr)

Gene: B4GAT1 (beta-1,4-glucuronyltransferase 1; minus strand). Cytogenetic location: 11q13.2.
Variant type: single nucleotide variant.
Coding change: c.2T>C on transcript NM_006876.3 (MANE Select); coding-DNA position 2, T replaced by C.
Protein change: p.Met1Thr; changes the start codon (methionine 1).
Molecular consequence: missense variant, initiator codon variant.
Genome position (GRCh38, 1-based): chr11:66,347,544, A>G on the plus strand (T>C on the coding strand, the complement: B4GAT1 is on the minus strand). VCF-style: chr11-66347544-A-G. GRCh37 (hg19) VCF-style: chr11-66115015-A-G.
Other names: short protein forms M1T.
Identifiers: ClinVar variation 1427981 (VCV001427981.8), dbSNP rs1855240969, ClinGen allele CA381419306.

ClinVar aggregate classification (germline): Uncertain significance (1 of 4 stars; one submission).

Conditions:
Muscular dystrophy-dystroglycanopathy (congenital with brain and eye anomalies), type A13. Also called: WALKER-WARBURG SYNDROME OR MUSCLE-EYE-BRAIN DISEASE, B3GNT1-RELATED; Muscular dystrophy-dystroglycanopathy (congenital with brain and eye anomalies), type a, 13. Identifiers: Orphanet 899, MedGen C3809042, MONDO:0014120, OMIM 615287.

Allele frequency attached by ClinVar (database versions not stated): TOPMed below 0.00001; gnomAD exomes 0.00001.

Submission:

Labcorp Genetics (formerly Invitae), Labcorp
Classification: Uncertain significance for Muscular dystrophy-dystroglycanopathy (congenital with brain and eye anomalies), type A13. Last evaluated: 2022-05-27. Review status: criteria provided, single submitter. Criteria: Invitae Variant Classification Sherloc (09022015). Collection method: clinical testing. Allele origin: germline.
Comment: In summary, the available evidence is currently insufficient to determine the role of this variant in disease. Therefore, it has been classified as a Variant of Uncertain Significance. Experimental studies and prediction algorithms are not available or were not evaluated, and the functional significance of this variant is currently unknown. This variant has not been reported in the literature in individuals affected with B4GAT1-related conditions. This variant is not present in population databases (gnomAD no frequency). This sequence change affects the initiator methionine of the B4GAT1 mRNA. The next in-frame methionine is located at codon 3.